The following is an entry in ClinVar:

NM_001042492.3(NF1):c.5619del (p.Tyr1874fs)

Gene: NF1 (neurofibromin 1; plus strand). Cytogenetic location: 17q11.2.
Variant type: Deletion.
Coding change: c.5619del on transcript NM_001042492.3 (MANE Select); coding-DNA position 5619, one base deleted (C; older notation c.5619delC).
Protein change: p.Tyr1874fs; shifts the reading frame from tyrosine 1874.
Molecular consequence: frameshift variant.
Genome position (GRCh38, 1-based): chr17:31,330,305, C deleted; the last of 2 consecutive C bases (chr17:31,330,304-31,330,305); deleting either gives the same sequence. VCF-style (leftmost placement, unchanged base first): chr17-31330303-GC-G. GRCh37 (hg19) VCF-style: chr17-29657321-GC-G.
Other names: c.5556delC (NM_000267.3); c.5556delC, p.Tyr1853Ilefs (NM_000267.4); short protein forms Y1853fs, Y1874fs.
Identifiers: ClinVar variation 996435 (VCV000996435.9), dbSNP rs1555533842, ClinGen allele CA2255617488.

ClinVar aggregate classification (germline): Pathogenic. Review status: criteria provided, multiple submitters, no conflicts (2 of 4 stars). 5 submissions from 5 submitters: Pathogenic (5). Last evaluated 2025-11-13.

Conditions:
Hereditary cancer-predisposing syndrome. Also called: Tumor predisposition; Neoplastic Syndromes, Hereditary; Hereditary neoplastic syndrome; Hereditary Cancer Syndrome. Identifiers: Orphanet 140162, MedGen C0027672, MeSH D009386, MONDO:0015356.
Cardiovascular phenotype. Identifiers: MedGen CN230736.
Neurofibromatosis, type 1 (NF1). Also called: NEUROFIBROMATOSIS, TYPE I, SOMATIC; VON RECKLINGHAUSEN DISEASE; Peripheral type neurofibromatosis; Neurofibromatosis, type I. Identifiers: Orphanet 636, MedGen C0027831, MONDO:0018975, OMIM 162200. Disease mechanism: loss of function.

Submissions (5):

Dasa
Classification: Pathogenic. Last evaluated: 2025-11-13. Review status: criteria provided, single submitter. Criteria: DASA Assertion Criteria. Collection method: clinical testing. Allele origin: germline.
Comment: NM_001042492.3(NF1):c.5619del (p.Tyr1874Ilefs*7) is a frameshift variant in NF1 predicted to alter the reading frame and introduce a premature termination codon and is predicted to result in an absent or altered protein product. Loss of function is an established disease mechanism for NF1 (PMID: 1757093; PMID: 1302608; PMID: 34427956). This variant has been reported in individuals with NF1-related disorders (PMID: 25074460). Also, this variant is absent from population databases. Based on the currently available evidence, this variant is classified as pathogenic.

Ambry Genetics
Classification: Pathogenic for Cardiovascular phenotype; Hereditary cancer-predisposing syndrome. Last evaluated: 2023-02-12. Review status: criteria provided, single submitter. Criteria: Ambry Variant Classification Scheme 2023. Collection method: clinical testing. Allele origin: germline.
Comment: The c.5556delC pathogenic mutation, located in coding exon 38 of the NF1 gene, results from a deletion of one nucleotide at nucleotide position 5556, causing a translational frameshift with a predicted alternate stop codon (p.Y1853Ifs*7). This alteration has been observed in individuals with a personal and/or family history that is consistent with NF1-related disease (Pasmant E et al. Eur J Hum Genet, 2015 May;23:596-601; Ambry internal data). This variant is considered to be rare based on population cohorts in the Genome Aggregation Database (gnomAD). This alteration is expected to result in loss of function by premature protein truncation or nonsense-mediated mRNA decay. As such, this alteration is interpreted as a disease-causing mutation.

3billion
Classification: Pathogenic for Neurofibromatosis, type 1. Last evaluated: 2022-05-22. Review status: criteria provided, single submitter. Criteria: ACMG Guidelines, 2015. Collection method: clinical testing. Allele origin: germline. Affected: yes. Observed: 1 heterozygote.
Comment: The variant is not observed in the gnomAD v2.1.1 dataset. Frameshift: predicted to result in a loss or disruption of normal protein function through nonsense-mediated decay (NMD) or protein truncation. Multiple pathogenic variants are reported downstream of the variant. The variant has been reported to be associated with NF1 related disorder (ClinVar ID: VCV000996435). Therefore, this variant is classified as pathogenic according to the recommendation of ACMG/AMP guideline.

Genome-Nilou Lab
Classification: Pathogenic for Neurofibromatosis, type 1. Last evaluated: 2022-03-15. Review status: criteria provided, single submitter. Criteria: ACMG Guidelines, 2015. Collection method: clinical testing. Allele origin: germline. Affected: no.

Genome Diagnostics Laboratory, The Hospital for Sick Children
Classification: Pathogenic for Neurofibromatosis, type 1. Last evaluated: 2020-10-26. Review status: criteria provided, single submitter. Criteria: ACMG Guidelines, 2015. Collection method: clinical testing. Allele origin: germline. Affected: yes.

Literature cited by the submitters: PubMed 25074460 (cited by Dasa); PubMed 1757093 (cited by Dasa); PubMed 1302608 (cited by Dasa); PubMed 34427956 (cited by Dasa).